The following is an entry in ClinVar:

ClinVar aggregate classification (germline): Uncertain significance. Review status: criteria provided, multiple submitters, no conflicts (2 of 4 stars). 3 submissions from 3 submitters: Uncertain significance (3). Last evaluated 2025-11-06.

Conditions:
Inborn genetic diseases. Identifiers: MedGen C0950123, MeSH D030342.
Deafness-lymphedema-leukemia syndrome. Also called: Emberger syndrome; Lymphedema, primary, with myelodysplasia. Identifiers: Orphanet 3226, MedGen C3279664, MONDO:0013540, OMIM 614038.
Monocytopenia with susceptibility to infections. Also called: IMMUNODEFICIENCY 21; GATA2 DEFICIENCY; MONOCYTOPENIA AND MYCOBACTERIAL INFECTION SYNDROME; MONOCYTOPENIA WITH SUSCEPTIBILITY TO MYCOBACTERIAL, FUNGAL, AND PAPILLOMAVIRUS INFECTIONS AND MYELODYSPLASIA; COMBINED IMMUNODEFICIENCY WITH SUSCEPTIBILITY TO MYCOBACTERIAL, VIRAL, AND FUNGAL INFECTIONS; Dendritic cell, monocyte, B lymphocyte, and natural killer lymphocyte deficiency. Identifiers: Orphanet 228423, MedGen C3280030, MONDO:0013607, OMIM 614172.

Submissions (3):

Ambry Genetics
Classification: Uncertain significance for Inborn genetic diseases. Last evaluated: 2025-11-06. Review status: criteria provided, single submitter. Criteria: Ambry Variant Classification Scheme 2023. Collection method: clinical testing. Allele origin: germline.
Comment: The c.778_780delTAC variant (also known as p.Y260del) is located in coding exon 2 of the GATA2 gene. This variant results from an in-frame TAC deletion at nucleotide positions 778 to 780. This results in the in-frame deletion of a tyrosine at codon 260. This amino acid position is highly conserved in available vertebrate species. In addition, this variant is predicted to be deleterious by in silico analysis (Choi Y et al. PLoS ONE. 2012; 7(10):e46688). Based on the available evidence, the clinical significance of this variant remains unclear.

Labcorp Genetics (formerly Invitae), Labcorp
Classification: Uncertain significance for Monocytopenia with susceptibility to infections; Deafness-lymphedema-leukemia syndrome. Last evaluated: 2024-01-04. Review status: criteria provided, single submitter. Criteria: Invitae Variant Classification Sherloc (09022015). Collection method: clinical testing. Allele origin: germline.
Comment: This variant, c.778_780del, results in the deletion of 1 amino acid(s) of the GATA2 protein (p.Tyr260del), but otherwise preserves the integrity of the reading frame. This variant is present in population databases (rs747128645, gnomAD 0.0009%). This variant has not been reported in the literature in individuals affected with GATA2-related conditions. ClinVar contains an entry for this variant (Variation ID: 944517). Experimental studies and prediction algorithms are not available or were not evaluated, and the functional significance of this variant is currently unknown. In summary, the available evidence is currently insufficient to determine the role of this variant in disease. Therefore, it has been classified as a Variant of Uncertain Significance.

GeneDx
Classification: Uncertain significance. Last evaluated: 2021-05-27. Review status: criteria provided, single submitter. Criteria: GeneDx Variant Classification Process June 2021. Collection method: clinical testing. Allele origin: germline. Affected: yes.
Comment: In-frame deletion of 1 amino acid in a non-repeat region; Not observed at a significant frequency in large population cohorts (Lek 2016); In silico analysis supports a deleterious effect on protein structure/function; Has not been previously published as pathogenic or benign to our knowledge

NM_032638.5(GATA2):c.778_780del (p.Tyr260del)

Gene: GATA2 (GATA binding protein 2; minus strand). Cytogenetic location: 3q21.3.
Variant type: Deletion.
Coding change: c.778_780del on transcript NM_032638.5 (MANE Select); coding-DNA positions 778 to 780, 3 bases deleted (TAC; older notation c.778_780delTAC).
Protein change: p.Tyr260del; deletes tyrosine 260.
Molecular consequence: inframe deletion.
Genome position (GRCh38, 1-based): chr3:128,485,818-128,485,820, GTA deleted on the plus strand (TAC on the coding strand, the reverse complement: GATA2 is on the minus strand); deleting any 3 consecutive bases within chr3:128,485,818-128,485,822 gives the same sequence; the c. name uses the placement nearest the transcript's 3' end. VCF-style (leftmost placement, unchanged base first): chr3-128485817-TGTA-T. GRCh37 (hg19) VCF-style: chr3-128204660-TGTA-T.
Other names: c.778_780del, p.Tyr260del (NM_001145661.2, NM_001145662.1); c.778_780delTAC (NM_032638.4); short protein forms Y260del.
Identifiers: ClinVar variation 944517 (VCV000944517.12), dbSNP rs747128645, ClinGen allele CA2599963.
Genomic context (GRCh38, chr3:128,485,817, plus strand): 5'-TAGGGGTGAAGCTGGAGGCCGGTCCCCCCAGGAAGCCTCCGGGGTGGAAGAGTCCGCTGC[TGTA>T]GTCGTGGGCAGCCGCCGGCACATAGGAGGGGTAGGTGGGGATGGGGTGGTGTGTAGCAGG-3'